The following is an entry in ClinVar:

ClinVar aggregate classification (germline): Pathogenic/Likely pathogenic. Review status: criteria provided, multiple submitters, no conflicts (2 of 4 stars). 3 submissions from 3 submitters: Pathogenic (1); Likely pathogenic (1). 1 of the submissions does not count toward it. Last evaluated 2023-06-15.

Conditions:
Hereditary spastic paraplegia 48. Also called: SPASTIC PARAPLEGIA 48, AUTOSOMAL RECESSIVE; Spastic paraplegia 48. Identifiers: Orphanet 306511, MedGen C3150901, MONDO:0013342, OMIM 613647.

Submissions (3):

Labcorp Genetics (formerly Invitae), Labcorp
Classification: Pathogenic for Hereditary spastic paraplegia 48. Last evaluated: 2023-06-15. Review status: criteria provided, single submitter. Criteria: Invitae Variant Classification Sherloc (09022015). Collection method: clinical testing. Allele origin: germline.
Comment: This sequence change creates a premature translational stop signal (p.Ser574Profs*2) in the AP5Z1 gene. It is expected to result in an absent or disrupted protein product. Loss-of-function variants in AP5Z1 are known to be pathogenic (PMID: 20613862, 27606357). This variant is present in population databases (no rsID available, gnomAD 0.002%). This premature translational stop signal has been observed in individual(s) with autosomal recessive hereditary spastic paraplegia (PMID: 33543803). ClinVar contains an entry for this variant (Variation ID: 817957). For these reasons, this variant has been classified as Pathogenic.

GeneDx
Classification: Likely pathogenic. Last evaluated: 2019-01-08. Review status: criteria provided, single submitter. Criteria: GeneDx Variant Classification (06012015). Collection method: clinical testing. Allele origin: germline. Affected: yes.
Comment: The c.1719delG variant in the AP5Z1 gene has not been reported previously as a pathogenic variant nor as a benign variant, to our knowledge. The c.1719delG variant causes a frameshift starting with codon Serine 574, changes this amino acid to a Proline residue, and creates a premature Stop codon at position 2 of the new reading frame, denoted p.Ser574ProfsX2. This variant is predicted to cause loss of normal protein function either through protein truncation or nonsense-mediated mRNA decay. The c.1719delG variant is not observed in large population cohorts (Lek et al., 2016). We interpret c.1719delG as a likely pathogenic variant.

Solve-RD Consortium
Classification: Likely pathogenic for Hereditary spastic paraplegia 48. Last evaluated: 2022-06-01. Review status: no assertion criteria provided. Collection method: provider interpretation. Allele origin: inherited. Affected: yes. Not counted in ClinVar's aggregate classification.
Comment: Variant confirmed as disease-causing by referring clinical team

Variant identified during reanalysis of unsolved cases by the Solve-RD project. The Solve-RD project has received funding from the European Union’s Horizon 2020 research and innovation programme under grant agreement No 779257.

Literature cited by the submitters: PubMed 20613862 (cited by Labcorp Genetics (formerly Invitae), Labcorp); PubMed 27606357 (cited by Labcorp Genetics (formerly Invitae), Labcorp); PubMed 33543803 (cited by Labcorp Genetics (formerly Invitae), Labcorp); PubMed 39825153 (cited by Solve-RD Consortium).

NM_014855.3(AP5Z1):c.1719del (p.Ser574fs)

Gene: AP5Z1 (adaptor related protein complex 5 subunit zeta 1; plus strand). Cytogenetic location: 7p22.1.
Variant type: Deletion.
Coding change: c.1719del on transcript NM_014855.3 (MANE Select); coding-DNA position 1719, one base deleted (G; older notation c.1719delG).
Protein change: p.Ser574fs; shifts the reading frame from serine 574.
Molecular consequence: frameshift variant. On other transcripts: non-coding transcript variant (1).
Genome position (GRCh38, 1-based): chr7:4,789,843, G deleted; the last of 3 consecutive G bases (chr7:4,789,841-4,789,843); deleting any one gives the same sequence. VCF-style (leftmost placement, unchanged base first): chr7-4789840-CG-C. GRCh37 (hg19) VCF-style: chr7-4829471-CG-C.
Other names: c.1251del, p.Ser418fs (NM_001364858.1); short protein forms S418fs, S574fs.
Identifiers: ClinVar variation 817957 (VCV000817957.5), dbSNP rs1562413480, ClinGen allele CA572434032.
Genomic context (GRCh38, chr7:4,789,840, plus strand): 5'-AGGGCCTGCAGTGGGGGTGGGGCTGAGCCTGTTTCCCACTCCTGACCCCCAGGTGGCTGA[CG>C]GGTCCCTGATCAACCAGCTGGCGCTGCTGCTCCTGGGCAGGAGCGACTCGCTCTACCCGG-3'